The following is an entry in ClinVar:

ClinVar aggregate classification (germline): Uncertain significance (1 of 4 stars; one submission).

Submission:

GeneDx
Classification: Uncertain significance. Last evaluated: 2024-03-04. Review status: criteria provided, single submitter. Criteria: GeneDx Variant Classification Process June 2021. Collection method: clinical testing. Allele origin: germline. Affected: yes.
Comment: Not observed at significant frequency in large population cohorts (gnomAD); In silico analysis supports that this missense variant has a deleterious effect on protein structure/function; Has not been previously published as pathogenic or benign to our knowledge

NM_138967.4(SCAMP5):c.565G>A (p.Glu189Lys)

Gene: SCAMP5 (secretory carrier membrane protein 5; plus strand). Cytogenetic location: 15q24.2.
Variant type: single nucleotide variant.
Coding change: c.565G>A on transcript NM_138967.4 (MANE Select); coding-DNA position 565, G replaced by A.
Protein change: p.Glu189Lys; replaces glutamic acid 189 with lysine.
Molecular consequence: missense variant. On other transcripts: non-coding transcript variant (1).
Genome position (GRCh38, 1-based): chr15:75,018,840, G>A. VCF-style: chr15-75018840-G-A. GRCh37 (hg19) VCF-style: chr15-75311181-G-A.
Other names: c.565G>A, p.Glu189Lys (NM_001178111.2, NM_001178112.2); short protein forms E189K.
Identifiers: ClinVar variation 3343462 (VCV003343462.1).